The following is an entry in ClinVar:

ClinVar aggregate classification (germline): Uncertain significance. Review status: criteria provided, multiple submitters, no conflicts (2 of 4 stars). 4 submissions from 4 submitters: Uncertain significance (3). 1 of the submissions does not count toward it. Last evaluated 2025-06-07.

Conditions:
Primary ciliary dyskinesia. Also called: Ciliary dyskinesia. Identifiers: Orphanet 244, MedGen C0008780, MONDO:0016575, HP:0012265.

Allele frequency attached by ClinVar (database versions not stated): ExAC 0.00002; gnomAD exomes 0.00002 and 0.00004; TOPMed 0.00003; gnomAD 0.00005.
gnomAD v4.1: 71 of 1,614,058 alleles (0.0044%); highest among the groups gnomAD compares: Non-Finnish European, 0.0053%; no homozygotes.

Submissions (4):

Ambry Genetics
Classification: Uncertain significance for Primary ciliary dyskinesia. Last evaluated: 2025-06-07. Review status: criteria provided, single submitter. Criteria: Ambry Variant Classification Scheme 2023. Collection method: clinical testing. Allele origin: germline.

Labcorp Genetics (formerly Invitae), Labcorp
Classification: Uncertain significance for Primary ciliary dyskinesia. Last evaluated: 2022-03-11. Review status: criteria provided, single submitter. Criteria: Invitae Variant Classification Sherloc (09022015). Collection method: clinical testing. Allele origin: germline.
Comment: This sequence change replaces proline, which is neutral and non-polar, with leucine, which is neutral and non-polar, at codon 215 of the DNAI1 protein (p.Pro215Leu). This variant is present in population databases (rs755122846, gnomAD 0.005%). This variant has not been reported in the literature in individuals affected with DNAI1-related conditions. ClinVar contains an entry for this variant (Variation ID: 958147). Algorithms developed to predict the effect of missense changes on protein structure and function (SIFT, PolyPhen-2, Align-GVGD) all suggest that this variant is likely to be disruptive. In summary, the available evidence is currently insufficient to determine the role of this variant in disease. Therefore, it has been classified as a Variant of Uncertain Significance.

Blueprint Genetics
Classification: Uncertain significance. Last evaluated: 2020-09-21. Review status: criteria provided, single submitter. Criteria: ACMG Guidelines, 2015. Collection method: clinical testing. Allele origin: germline.

Natera, Inc.
Classification: Uncertain significance for Primary ciliary dyskinesia. Last evaluated: 2020-02-26. Review status: no assertion criteria provided. Collection method: clinical testing. Allele origin: germline. Not counted in ClinVar's aggregate classification.

NM_012144.4(DNAI1):c.644C>T (p.Pro215Leu)

Gene: DNAI1 (dynein axonemal intermediate chain 1; plus strand). Cytogenetic location: 9p13.3.
Variant type: single nucleotide variant.
Coding change: c.644C>T on transcript NM_012144.4 (MANE Select); coding-DNA position 644, C replaced by T.
Protein change: p.Pro215Leu; replaces proline 215 with leucine.
Molecular consequence: missense variant.
Genome position (GRCh38, 1-based): chr9:34,491,517, C>T. VCF-style: chr9-34491517-C-T. GRCh37 (hg19) VCF-style: chr9-34491515-C-T.
Other names: c.644C>T (NM_012144.2); c.656C>T, p.Pro219Leu (NM_001281428.2); short protein forms P215L, P219L.
Identifiers: ClinVar variation 958147 (VCV000958147.13), dbSNP rs755122846, ClinGen allele CA5034135.